The following is an entry in ClinVar:

ClinVar aggregate classification (germline): Uncertain significance (1 of 4 stars; one submission).

Conditions:
Arrhythmogenic right ventricular dysplasia 8 (ARVD8). Also called: Arrhythmogenic Right Ventricular Dysplasia/Cardiomyopathy 8; ARRHYTHMOGENIC RIGHT VENTRICULAR DYSPLASIA, FAMILIAL, 8; ARRHYTHMOGENIC RIGHT VENTRICULAR CARDIOMYOPATHY 8. Identifiers: MedGen C1843896, MONDO:0011831, OMIM 607450.
Arrhythmogenic cardiomyopathy with wooly hair and keratoderma. Also called: PALMOPLANTAR KERATODERMA WITH LEFT VENTRICULAR CARDIOMYOPATHY AND WOOLLY HAIR; Carvajal syndrome; Dilated cardiomyopathy with woolly hair and keratoderma; Arrhythmogenic cardiomyopathy with woolly hair and keratoderma. Identifiers: Orphanet 65282, MedGen C1854063, MONDO:0011581, OMIM 605676.

Submission:

Labcorp Genetics (formerly Invitae), Labcorp
Classification: Uncertain significance for Arrhythmogenic cardiomyopathy with wooly hair and keratoderma; Arrhythmogenic right ventricular dysplasia 8. Last evaluated: 2024-05-21. Review status: criteria provided, single submitter. Criteria: Invitae Variant Classification Sherloc (09022015). Collection method: clinical testing. Allele origin: germline.
Comment: This sequence change replaces leucine, which is neutral and non-polar, with arginine, which is basic and polar, at codon 1021 of the DSP protein (p.Leu1021Arg). This variant is not present in population databases (gnomAD no frequency). This variant has not been reported in the literature in individuals affected with DSP-related conditions. An algorithm developed to predict the effect of missense changes on protein structure and function (PolyPhen-2) suggests that this variant is likely to be disruptive. In summary, the available evidence is currently insufficient to determine the role of this variant in disease. Therefore, it has been classified as a Variant of Uncertain Significance.

NM_004415.4(DSP):c.3062T>G (p.Leu1021Arg)

Gene: DSP (desmoplakin; plus strand). Cytogenetic location: 6p24.3.
Variant type: single nucleotide variant.
Coding change: c.3062T>G on transcript NM_004415.4 (MANE Select); coding-DNA position 3062, T replaced by G.
Protein change: p.Leu1021Arg; replaces leucine 1021 with arginine.
Molecular consequence: missense variant.
Genome position (GRCh38, 1-based): chr6:7,578,540, T>G. VCF-style: chr6-7578540-T-G. GRCh37 (hg19) VCF-style: chr6-7578773-T-G.
Other names: c.3062T>G, p.Leu1021Arg (NM_001008844.3, NM_001319034.2); short protein forms L1021R.
Identifiers: ClinVar variation 3756454 (VCV003756454.2).